The following is an entry in ClinVar:

ClinVar aggregate classification (germline): Likely pathogenic (1 of 4 stars; one submission).

Conditions:
Clark-Baraitser syndrome. Also called: MENTAL RETARDATION, AUTOSOMAL DOMINANT 49; Intellectual disability, autosomal dominant 49; BARAITSER SYNDROME; Mental retardation, tall stature, obesity, macrocephaly and typical facial features. Identifiers: Orphanet 600731, MedGen C2931130, MONDO:0030914, OMIM 617752.

Submission:

3billion
Classification: Likely pathogenic for Clark-Baraitser syndrome. Last evaluated: 2025-01-10. Review status: criteria provided, single submitter. Criteria: ACMG Guidelines, 2015. Collection method: clinical testing. Allele origin: germline. Affected: yes.
Comment: The variant is not observed in the gnomAD v4.1.0 dataset. Predicted Consequence/Location: Frameshift: predicted to result in a loss or disruption of normal protein function through protein truncation. Multiple pathogenic variants are reported in the predicted truncated region. Therefore, this variant is classified as Likely pathogenic according to the recommendation of ACMG/AMP guideline.

NM_001348323.3(TRIP12):c.5979_5983delinsAGCTCTTGGGCTCCAGTTT (p.Thr1994fs)

Gene: TRIP12 (thyroid hormone receptor interactor 12; minus strand). Cytogenetic location: 2q36.3.
Variant type: Indel.
Coding change: c.5979_5983delinsAGCTCTTGGGCTCCAGTTT on transcript NM_001348323.3 (MANE Select); coding-DNA positions 5979 to 5983, GACTG replaced by AGCTCTTGGGCTCCAGTTT.
Protein change: p.Thr1994fs; shifts the reading frame from threonine 1994.
Molecular consequence: frameshift variant.
Genome position (GRCh38, 1-based): chr2:229,768,640-229,768,644, CAGTC replaced by AAACTGGAGCCCAAGAGCT on the plus strand (GACTG replaced by AGCTCTTGGGCTCCAGTTT on the coding strand, the reverse complement: TRIP12 is on the minus strand). VCF-style: chr2-229768640-CAGTC-AAACTGGAGCCCAAGAGCT. GRCh37 (hg19) VCF-style: chr2-230633356-CAGTC-AAACTGGAGCCCAAGAGCT.
Other names: c.5898_5902delinsAGCTCTTGGGCTCCAGTTT, p.Thr1967fs (NM_001284214.2, NM_001348315.2); c.5853_5857delinsAGCTCTTGGGCTCCAGTTT, p.Thr1952fs (NM_001284215.2, NM_001348316.2); c.4944_4948delinsAGCTCTTGGGCTCCAGTTT, p.Thr1649fs (NM_001284216.2); c.5838_5842delinsAGCTCTTGGGCTCCAGTTT, p.Thr1947fs (NM_001348317.1, NM_001348318.2); c.5964_5968delinsAGCTCTTGGGCTCCAGTTT, p.Thr1989fs (NM_001348319.1, NM_001348320.2); c.5967_5971delinsAGCTCTTGGGCTCCAGTTT, p.Thr1990fs (NM_001348321.1); c.5979_5983delinsAGCTCTTGGGCTCCAGTTT, p.Thr1994fs (NM_001348322.1, NM_001348324.2, NM_001348325.2 and 2 more transcripts); c.5982_5986delinsAGCTCTTGGGCTCCAGTTT, p.Thr1995fs (NM_001348328.1, NM_001348329.2, NM_001348330.2); and 4 more; short protein forms T1649fs, T1919fs, T1920fs, T1947fs, T1952fs, T1960fs, T1967fs, T1968fs.
Identifiers: ClinVar variation 4293928 (VCV004293928.1).